The following is an entry in ClinVar:

NM_014989.7(RIMS1):c.3722C>A (p.Ser1241Tyr)

Gene: RIMS1 (regulating synaptic membrane exocytosis 1; plus strand). Cytogenetic location: 6q13.
Variant type: single nucleotide variant.
Coding change: c.3722C>A on transcript NM_014989.7 (MANE Select); coding-DNA position 3722, C replaced by A.
Protein change: p.Ser1241Tyr; replaces serine 1241 with tyrosine.
Molecular consequence: missense variant. On other transcripts: intron variant (56).
Genome position (GRCh38, 1-based): chr6:72,290,846, C>A. VCF-style: chr6-72290846-C-A. GRCh37 (hg19) VCF-style: chr6-73000549-C-A.
Other names: c.1796C>A, p.Ser599Tyr (NM_001350420.2); c.1778C>A, p.Ser593Tyr (NM_001350431.2); c.1865C>A, p.Ser622Tyr (NM_001350438.2, NM_001350456.2); c.1868C>A, p.Ser623Tyr (NM_001350442.2, NM_001350446.2); c.1727C>A, p.Ser576Tyr (NM_001350462.2); c.1632-1088C>A (NM_001350428.2); c.1560-1088C>A (NM_001350459.2, NM_001350424.2); c.1641-1088C>A (NM_001350437.2); and 31 more; short protein forms S1241Y, S593Y, S623Y, S576Y, S599Y, S622Y.
Identifiers: ClinVar variation 1913294 (VCV001913294.5), dbSNP rs368091499, ClinGen allele CA3886328.

ClinVar aggregate classification (germline): Uncertain significance (1 of 4 stars; one submission).

Allele frequency attached by ClinVar (database versions not stated): gnomAD exomes below 0.00001; ESP Exome Variant Server 0.00008; ExAC 0.00001; gnomAD 0.00001; TOPMed 0.00005.
gnomAD v4.1: 4 of 1,612,386 alleles (0.00025%); highest among the groups gnomAD compares: African/African-American, 0.004%; no homozygotes.

Submission:

Labcorp Genetics (formerly Invitae), Labcorp
Classification: Uncertain significance. Last evaluated: 2025-12-17. Review status: criteria provided, single submitter. Criteria: Invitae Variant Classification Sherloc (09022015). Collection method: clinical testing. Allele origin: germline.
Comment: This sequence change replaces serine, which is neutral and polar, with tyrosine, which is neutral and polar, at codon 1241 of the RIMS1 protein (p.Ser1241Tyr). This variant is present in population databases (rs368091499, gnomAD 0.01%). This variant has not been reported in the literature in individuals affected with RIMS1-related conditions. ClinVar contains an entry for this variant (Variation ID: 1913294). An algorithm developed to predict the effect of missense changes on protein structure and function (PolyPhen-2) suggests that this variant is likely to be disruptive. In summary, the available evidence is currently insufficient to determine the role of this variant in disease. Therefore, it has been classified as a Variant of Uncertain Significance.